The following is an entry in ClinVar:

ClinVar aggregate classification (germline): Pathogenic (1 of 4 stars; one submission).

Submission:

ISCA Site 6
Classification: Pathogenic. Last evaluated: 2011-08-12. Review status: criteria provided, single submitter. Criteria: Kaminsky et al. (Genet Med. 2011). Collection method: clinical testing. Allele origin: unknown. Affected: yes. Observed: 1 variant allele.
Comment: Copy number variation identified through the course of routine clinical cytogenomic testing in postnatal populations. Clinical assertions have been curated as described in Kaminsky et al. 2011.

GRCh38/hg38 15q13.2-13.3(chr15:30614351-32606466)x1

Genes: ARHGAP11A-DT (ARHGAP11A divergent transcript; minus strand), ARHGAP11B (Rho GTPase activating protein 11B), ARHGAP11B-DT (ARHGAP11B divergent transcript), CHRNA7 (cholinergic receptor nicotinic alpha 7 subunit), GOLGA8O (golgin A8 family member O; minus strand) and 33 more. Cytogenetic location: 15q13.2-13.3.
Variant type: copy number loss.
Change: copy number 1 (one copy instead of two) of chr15:30,614,351-32,606,466 (1.99 Mb, GRCh38 coordinates, 1-based), cytogenetic band 15q13.2-13.3.
Identifiers: ClinVar variation 58676 (VCV000058676.2).